The following is an entry in ClinVar:

NM_000238.4(KCNH2):c.3095G>C (p.Arg1032Pro)

Gene: KCNH2 (potassium voltage-gated channel subfamily H member 2; minus strand). Cytogenetic location: 7q36.1.
Variant type: single nucleotide variant.
Coding change: c.3095G>C on transcript NM_000238.4 (MANE Select); coding-DNA position 3095, G replaced by C.
Protein change: p.Arg1032Pro; replaces arginine 1032 with proline.
Molecular consequence: missense variant.
Genome position (GRCh38, 1-based): chr7:150,947,385, C>G on the plus strand (G>C on the coding strand, the complement: KCNH2 is on the minus strand). VCF-style: chr7-150947385-C-G. GRCh37 (hg19) VCF-style: chr7-150644473-C-G.
Other names: c.2075G>C, p.Arg692Pro (NM_172057.3); c.3095G>C (NM_000238.2); short protein forms R1032P, R692P.
Identifiers: ClinVar variation 1171150 (VCV001171150.5), dbSNP rs199473020, ClinGen allele CA169071899.

ClinVar aggregate classification (germline): Uncertain significance. Review status: criteria provided, multiple submitters, no conflicts (2 of 4 stars). 2 submissions from 2 submitters: Uncertain significance (2). Last evaluated 2025-06-03.

Conditions:
Cardiac arrhythmia. Also called: Arrhythmia; Cardiac rhythm disease. Identifiers: MedGen C0003811, MONDO:0007263, HP:0011675.

Submissions (2):

GeneDx
Classification: Uncertain significance. Last evaluated: 2025-06-03. Review status: criteria provided, single submitter. Criteria: GeneDx Variant Classification Process June 2021. Collection method: clinical testing. Allele origin: germline. Affected: yes.
Comment: Not observed at significant frequency in large population cohorts (gnomAD); In silico analysis suggests that this missense variant does not alter protein structure/function; Has not been previously published as pathogenic or benign to our knowledge

Color Diagnostics, LLC DBA Color Health
Classification: Uncertain significance for Cardiac arrhythmia. Last evaluated: 2020-11-02. Review status: criteria provided, single submitter. Criteria: ACMG Guidelines, 2015. Collection method: clinical testing. Allele origin: germline.
Comment: This missense variant replaces arginine with proline at codon 1032 of the KCNH2 protein. Computational prediction is inconclusive regarding the impact of this variant on protein structure and function (internally defined REVEL score threshold 0.5 < inconclusive < 0.7, PMID: 27666373). To our knowledge, functional studies have not been reported for this variant. This variant has not been reported in individuals affected with cardiovascular disorders in the literature. This variant has not been identified in the general population by the Genome Aggregation Database (gnomAD). The available evidence is insufficient to determine the role of this variant in disease conclusively. Therefore, this variant is classified as a Variant of Uncertain Significance.